The following is an entry in ClinVar:

ClinVar aggregate classification (germline): Pathogenic (1 of 4 stars; one submission).

Conditions:
Familial focal epilepsy with variable foci (FPEVF). Identifiers: Orphanet 98820, MedGen C1858477, MONDO:0020310.

Submission:

Labcorp Genetics (formerly Invitae), Labcorp
Classification: Pathogenic for Familial focal epilepsy with variable foci. Last evaluated: 2021-07-14. Review status: criteria provided, single submitter. Criteria: Invitae Variant Classification Sherloc (09022015). Collection method: clinical testing. Allele origin: germline.
Comment: This sequence change creates a premature translational stop signal (p.Gln71*) in the DEPDC5 gene. It is expected to result in an absent or disrupted protein product. Loss-of-function variants in DEPDC5 are known to be pathogenic (PMID: 23542697, 23542701). This variant is not present in population databases (ExAC no frequency). This variant has not been reported in the literature in individuals affected with DEPDC5-related conditions. For these reasons, this variant has been classified as Pathogenic.

Literature cited by the submitters: PubMed 23542697; PubMed 23542701.

NM_001242896.3(DEPDC5):c.211C>T (p.Gln71Ter)

Gene: DEPDC5 (DEP domain containing 5, GATOR1 subcomplex subunit; plus strand). Cytogenetic location: 22q12.2.
Variant type: single nucleotide variant.
Coding change: c.211C>T on transcript NM_001242896.3 (MANE Select); coding-DNA position 211, C replaced by T.
Protein change: p.Gln71Ter; replaces glutamine 71 with a stop codon.
Molecular consequence: nonsense. On other transcripts: non-coding transcript variant (5).
Genome position (GRCh38, 1-based): chr22:31,764,992, C>T. VCF-style: chr22-31764992-C-T. GRCh37 (hg19) VCF-style: chr22-32160978-C-T.
Other names: c.211C>T, p.Gln71Ter (NM_001007188.4, NM_001136029.4, NM_001242897.2 and 9 more transcripts); short protein forms Q71*.
Identifiers: ClinVar variation 1353083 (VCV001353083.6), dbSNP rs2148103123, ClinGen allele CA411281243.
Genomic context (GRCh38, chr22:31,764,992, plus strand): 5'-TTTCAAAATATGTTATCTGAGCCAGATATTGTTTCTGTTTTAGAAACTATCAGTGTGGAC[C>T]AGACTGTGACTCAAGTGTTCCGGCTGAGACCTTATCAGGATGTCTATGTTAATGTCGTAG-3'